The following is an entry in ClinVar:

NM_005529.7(HSPG2):c.8622C>T (p.His2874=)

Gene: HSPG2 (heparan sulfate proteoglycan 2; minus strand). Cytogenetic location: 1p36.12.
Variant type: single nucleotide variant.
Coding change: c.8622C>T on transcript NM_005529.7 (MANE Select); coding-DNA position 8622, C replaced by T.
Protein change: p.His2874=; no amino-acid change (histidine 2874 retained).
Molecular consequence: synonymous variant.
Genome position (GRCh38, 1-based): chr1:21,843,433, G>A on the plus strand (C>T on the coding strand, the complement: HSPG2 is on the minus strand). VCF-style: chr1-21843433-G-A. GRCh37 (hg19) VCF-style: chr1-22169926-G-A.
Other names: c.8625C>T, p.His2875= (NM_001291860.2).
Identifiers: ClinVar variation 295771 (VCV000295771.15), dbSNP rs62642513, ClinGen allele CA670706.

ClinVar aggregate classification (germline): Benign. Review status: criteria provided, multiple submitters, no conflicts (2 of 4 stars). 5 submissions from 4 submitters: Benign (5). Last evaluated 2026-02-02.

Conditions:
Lethal Kniest-like syndrome (DDSH). Also called: Dyssegmental Dysplasia. Identifiers: Orphanet 1865, MedGen C1857100, MONDO:0009140, OMIM 224410.
Schwartz-Jampel syndrome. Also called: Myotonic myopathy dwarfism chondrodystrophy and ocular and facial abnormalities. Identifiers: Orphanet 800, MedGen C0036391, MONDO:0009717.

Allele frequency attached by ClinVar (database versions not stated): gnomAD exomes 0.02413 and 0.02581; ExAC 0.03161; 1000 Genomes Project 0.05012; 1000 Genomes Project 30x 0.05559; gnomAD 0.05846 and 0.06306; TOPMed 0.06461; ESP Exome Variant Server 0.06812.
gnomAD v4.1: 44,341 of 1,611,692 alleles (2.8%); highest among the groups gnomAD compares: African/African-American, 16%; 1,431 homozygotes.

Submissions (5):

Labcorp Genetics (formerly Invitae), Labcorp
Classification: Benign. Last evaluated: 2026-02-02. Review status: criteria provided, single submitter. Criteria: Invitae Variant Classification Sherloc (09022015). Collection method: clinical testing. Allele origin: germline.

GeneDx
Classification: Benign. Last evaluated: 2018-09-26. Review status: criteria provided, single submitter. Criteria: GeneDx Variant Classification Process June 2021. Collection method: clinical testing. Allele origin: germline. Affected: yes.

Illumina Laboratory Services, Illumina
Classification: Benign for Schwartz-Jampel syndrome type 1. Last evaluated: 2018-01-13. Review status: criteria provided, single submitter. Criteria: ICSL Variant Classification Criteria 13 December 2019. Collection method: clinical testing. Allele origin: germline.
Comment: This variant was observed in the ICSL laboratory as part of a predisposition screen in an ostensibly healthy population. It had not been previously curated by ICSL or reported in the Human Gene Mutation Database (HGMD: prior to June 1st, 2018), and was therefore a candidate for classification through an automated scoring system. Utilizing variant allele frequency, disease prevalence and penetrance estimates, and inheritance mode, an automated score was calculated to assess if this variant is too frequent to cause the disease. Based on the score and internal cut-off values, a variant classified as benign is not then subjected to further curation. The score for this variant resulted in a classification of benign for this disease.

Illumina Laboratory Services, Illumina
Classification: Benign for Lethal Kniest-like syndrome. Last evaluated: 2018-01-13. Review status: criteria provided, single submitter. Criteria: ICSL Variant Classification Criteria 13 December 2019. Collection method: clinical testing. Allele origin: germline.
Comment: the same text as in the submission from Illumina Laboratory Services, Illumina above.

Breakthrough Genomics
Classification: Benign. Review status: criteria provided, single submitter. Criteria: ACMG Guidelines, 2015. Collection method: not provided. Allele origin: germline. Inheritance: Autosomal recessive inheritance. Affected: yes.